The following is an entry in ClinVar:

ClinVar aggregate classification (germline): Conflicting classifications of pathogenicity. Review status: criteria provided, conflicting classifications (1 of 4 stars). 12 submissions from 12 submitters: Uncertain significance (2); Benign (3); Likely benign (3). 4 of the submissions do not count toward it. Last evaluated 2026-09-01.

Conditions:
DTNA-related disorder. Also called: DTNA-related condition.
Left ventricular noncompaction 1 (LVNC1). Also called: LEFT VENTRICULAR NONCOMPACTION 1 WITH OR WITHOUT CONGENITAL HEART DEFECTS. Identifiers: Orphanet 54260, MedGen C1858725, MONDO:0011403, OMIM 604169.

Allele frequency attached by ClinVar (database versions not stated): ExAC 0.00096; ESP Exome Variant Server 0.00115; 1000 Genomes Project 0.00120; gnomAD 0.00120 and 0.00116; TOPMed 0.00084; 1000 Genomes Project 30x 0.00109; gnomAD exomes 0.00093.
gnomAD v4.1: 1,773 of 1,613,666 alleles (0.11%); highest among the groups gnomAD compares: African/African-American, 0.16%; 2 homozygotes.

Submissions (12):

CeGaT Center for Human Genetics Tuebingen
Classification: Benign. Last evaluated: 2026-09-01. Review status: criteria provided, single submitter. Criteria: CeGaT Center For Human Genetics Tuebingen Variant Classification Criteria Version 2. Collection method: clinical testing. Allele origin: germline. Affected: yes. Observed: 3 variant alleles.
Comment: DTNA: BS1, BS2

Labcorp Genetics (formerly Invitae), Labcorp
Classification: Benign for Left ventricular noncompaction 1. Last evaluated: 2026-01-22. Review status: criteria provided, single submitter. Criteria: Invitae Variant Classification Sherloc (09022015). Collection method: clinical testing. Allele origin: germline.

Blueprint Genetics
Classification: Likely benign. Last evaluated: 2024-11-27. Review status: criteria provided, single submitter. Criteria: ACMG Guidelines, 2015. Collection method: clinical testing. Allele origin: germline.

ARUP Laboratories, Molecular Genetics and Genomics, ARUP Laboratories
Classification: Likely benign for Left ventricular noncompaction 1. Last evaluated: 2018-09-28. Review status: criteria provided, single submitter. Criteria: ARUP Molecular Germline Variant Investigation Process. Collection method: clinical testing. Allele origin: germline.

GeneDx
Classification: Likely benign. Last evaluated: 2017-06-28. Review status: criteria provided, single submitter. Criteria: GeneDx Variant Classification (06012015). Collection method: clinical testing. Allele origin: germline. Affected: yes.
Comment: This variant is considered likely benign or benign based on one or more of the following criteria: it is a conservative change, it occurs at a poorly conserved position in the protein, it is predicted to be benign by multiple in silico algorithms, and/or has population frequency not consistent with disease.

Women's Health and Genetics/Laboratory Corporation of America, LabCorp
Classification: Benign. Last evaluated: 2016-05-02. Review status: criteria provided, single submitter. Criteria: LabCorp Variant Classification Summary - May 2015. Collection method: clinical testing. Allele origin: germline.
Comment: Variant summary: The variant c.1000G>A (p.Val334Ile) in DTNA gene involves a conserved nucleotide with 3/5 in silico programs predicting a "benign" outcome, although these predictions have yet to be functionally assessed. The variant of interest was observed in the large and broad control population from ExAC with an allele frequency of 117/121378 (1/1037), which exceeds the estimated maximum expected allele frequency for a pathogenic DTNA variant of 1/40000. The variant of interest has been reported in individuals undergoing exome sequencing with limited information (i.e. information about co-occurrence and/or co-segregation data). In addition, multiple reputable clinical laboratories cite the variant with a classification of "uncertain significance," although it should be noted the classification evaluation occurred prior to the availablity of the ExAC dataset. Therefore, taken all available lines of evidence into consideration, the variant of interest is classified as Benign.

Biesecker Lab/Clinical Genomics Section, National Institutes of Health
Classification: Uncertain significance. Last evaluated: 2013-06-24. Review status: criteria provided, single submitter. Criteria: Ng et al. (Circ Cardiovasc Genet. 2013). Collection method: research. Allele origin: unknown. Observed: 2 variant alleles. Study: ClinSeq.
Comment: The study set was not selected for affection status in relation to any cancer. Pathogenicity categories were based on literature curation. See Pubmed ID:23861362 for details.

Medical sequencing

Laboratory for Molecular Medicine, Mass General Brigham Personalized Medicine
Classification: Uncertain significance. Last evaluated: 2012-07-18. Review status: criteria provided, single submitter. Criteria: LMM Criteria. Collection method: clinical testing. Allele origin: germline. Observed: 2 variant alleles.
Comment: Variant classified as Uncertain Significance - Favor Benign. This variant is present at low frequency in various cohorts, the highes t being 0.16% (7/4406) in a broad African American cohort screened by the NHLBI Exome Sequencing Project (dbSNP rs148123045). Computational analyses (biochemical amino acid properties, conservation, AlignG VGD, PolyPhen2, and SIFT) suggest that the Val334Ile variant may not impact the protein, though this information is not predictive enough to rule out pathogenic ity. In summary, although these data support that the Val334Ile variant may be b enign, additional studies are needed to fully assess its clinical significance.

PreventionGenetics, part of Exact Sciences
Classification: Likely benign for DTNA-related condition. Last evaluated: 2024-06-28. Review status: no assertion criteria provided. Collection method: clinical testing. Allele origin: germline. Not counted in ClinVar's aggregate classification.
Comment: This variant is classified as likely benign based on ACMG/AMP sequence variant interpretation guidelines (Richards et al. 2015 PMID: 25741868, with internal and published modifications).

Clinical Genetics DNA and cytogenetics Diagnostics Lab, Erasmus MC, Erasmus Medical Center
Classification: Likely benign. Review status: no assertion criteria provided. Collection method: clinical testing. Allele origin: germline. Affected: yes. Study: VKGL Data-share Consensus. Not counted in ClinVar's aggregate classification.

Diagnostic Laboratory, Department of Genetics, University Medical Center Groningen
Classification: Likely benign. Review status: no assertion criteria provided. Collection method: clinical testing. Allele origin: germline. Affected: yes. Study: VKGL Data-share Consensus. Not counted in ClinVar's aggregate classification.

Genome Diagnostics Laboratory, University Medical Center Utrecht
Classification: Benign. Review status: no assertion criteria provided. Collection method: clinical testing. Allele origin: germline. Affected: yes. Study: VKGL Data-share Consensus. Not counted in ClinVar's aggregate classification.

Literature cited by the submitters: PubMed 23861362 (cited by Women's Health and Genetics/Laboratory Corporation of America, LabCorp).

NM_001386795.1(DTNA):c.1000G>A (p.Val334Met)

Gene: DTNA (dystrobrevin alpha; plus strand). Cytogenetic location: 18q12.1.
Variant type: single nucleotide variant.
Coding change: c.1000G>A on transcript NM_001386795.1 (MANE Select); coding-DNA position 1000, G replaced by A.
Protein change: p.Val334Met; replaces valine 334 with methionine.
Molecular consequence: missense variant. On other transcripts: intron variant (1).
Genome position (GRCh38, 1-based): chr18:34,820,914, G>A. VCF-style: chr18-34820914-G-A. GRCh37 (hg19) VCF-style: chr18-32400878-G-A.
Other names: c.1000G>A, p.Val334Met (NM_001128175.2, NM_001198938.2, NM_001198939.2 and 26 more transcripts); c.46G>A, p.Val16Met (NM_001198942.1, NM_001198944.1, NM_032980.4 and 1 more transcripts); c.250G>A, p.Val84Met (NM_001198943.1); c.1000G>A, p.Val334Ile (NM_001386761.1, NM_001386762.1, NM_001386775.1 and 5 more transcripts); c.603+8801G>A (NM_001198945.2); short protein forms V334I, V334M, V16M, V84M.
Identifiers: ClinVar variation 46410 (VCV000046410.37), dbSNP rs148123045, ClinGen allele CA138279.